The following is an entry in ClinVar:

NM_020631.6(PLEKHG5):c.2634C>T (p.Ser878=)

Gene: PLEKHG5 (pleckstrin homology and RhoGEF domain containing G5; minus strand). Cytogenetic location: 1p36.31.
Variant type: single nucleotide variant.
Coding change: c.2634C>T on transcript NM_020631.6 (MANE Select); coding-DNA position 2634, C replaced by T.
Protein change: p.Ser878=; no amino-acid change (serine 878 retained).
Molecular consequence: synonymous variant.
Genome position (GRCh38, 1-based): chr1:6,468,202, G>A on the plus strand (C>T on the coding strand, the complement: PLEKHG5 is on the minus strand). VCF-style: chr1-6468202-G-A. GRCh37 (hg19) VCF-style: chr1-6528262-G-A.
Other names: c.2745C>T, p.Ser915= (NM_001042663.3, NM_001265592.2); c.2634C>T, p.Ser878= (NM_001042664.2, NM_001042665.2, NM_001265594.3 and 1 more transcripts); c.2841C>T, p.Ser947= (NM_001265593.2).
Identifiers: ClinVar variation 297937 (VCV000297937.80), dbSNP rs367560509, ClinGen allele CA561118.
Genomic context (GRCh38, chr1:6,468,202, plus strand): 5'-GGGGGCAGAGGGTGTCCCATGGGTGCCAGCCCCTGCCAGCAGCTGGAGGAGGCTGGCCTC[G>A]GACTTAGACTTGAGCAGGTGGGGCGGGCAGCTCAACAGCTGGACAGGGGTGCGGCGGCGG-3'
Protein context (NP_065682.2, residues 868-888): SCPPHLLKSK[Ser878=]EASLLQLLAG

ClinVar aggregate classification (germline): Conflicting classifications of pathogenicity. Review status: criteria provided, conflicting classifications (1 of 4 stars). 6 submissions from 6 submitters: Uncertain significance (1); Likely benign (5). Last evaluated 2026-01-20.

Conditions:
Charcot-Marie-Tooth disease recessive intermediate C. Also called: CHARCOT-MARIE-TOOTH NEUROPATHY, RECESSIVE INTERMEDIATE C. Identifiers: Orphanet 369867, MedGen C3809309, MONDO:0014154, OMIM 615376.
Neuronopathy, distal hereditary motor, autosomal recessive 4. Also called: Autosomal recessive lower motor neuron disease with childhood onset; NEUROPATHY, DISTAL HEREDITARY MOTOR, AUTOSOMAL RECESSIVE 4. Identifiers: Orphanet 206580, MedGen C1970211, MONDO:0012608, OMIM 611067.
Inborn genetic diseases. Identifiers: MedGen C0950123, MeSH D030342.

Allele frequency attached by ClinVar (database versions not stated): ESP Exome Variant Server 0.00016; gnomAD 0.00017 and 0.00024; TOPMed 0.00030; gnomAD exomes 0.00040; 1000 Genomes Project 0.00080; 1000 Genomes Project 30x 0.00094.
gnomAD v4.1: 354 of 1,576,890 alleles (0.022%); highest among the groups gnomAD compares: Middle Eastern, 0.17%; 1 homozygote.

Submissions (6):

Labcorp Genetics (formerly Invitae), Labcorp
Classification: Likely benign for Neuronopathy, distal hereditary motor, autosomal recessive 4; Charcot-Marie-Tooth disease recessive intermediate C. Last evaluated: 2026-01-20. Review status: criteria provided, single submitter. Criteria: Invitae Variant Classification Sherloc (09022015). Collection method: clinical testing. Allele origin: germline.

Women's Health and Genetics/Laboratory Corporation of America, LabCorp
Classification: Likely benign. Last evaluated: 2024-11-29. Review status: criteria provided, single submitter. Criteria: LabCorp Variant Classification Summary - May 2015. Collection method: clinical testing. Allele origin: germline.

CeGaT Center for Human Genetics Tuebingen
Classification: Likely benign. Last evaluated: 2023-03-01. Review status: criteria provided, single submitter. Criteria: CeGaT Center For Human Genetics Tuebingen Variant Classification Criteria Version 2. Collection method: clinical testing. Allele origin: germline. Affected: yes. Observed: 2 variant alleles.
Comment: PLEKHG5: BP4, BP7

GeneDx
Classification: Likely benign. Last evaluated: 2020-11-06. Review status: criteria provided, single submitter. Criteria: GeneDx Variant Classification Process June 2021. Collection method: clinical testing. Allele origin: germline. Affected: yes.

Ambry Genetics
Classification: Likely benign for Inborn genetic diseases. Last evaluated: 2019-07-11. Review status: criteria provided, single submitter. Criteria: Ambry Variant Classification Scheme 2023. Collection method: clinical testing. Allele origin: germline.

Illumina Laboratory Services, Illumina
Classification: Uncertain significance for Neuronopathy, distal hereditary motor, autosomal recessive 4. Last evaluated: 2018-01-13. Review status: criteria provided, single submitter. Criteria: ICSL Variant Classification Criteria 13 December 2019. Collection method: clinical testing. Allele origin: germline.